The following is an entry in ClinVar:

ClinVar aggregate classification (germline): Uncertain significance (1 of 4 stars; one submission).

gnomAD v4.1: 1 of 1,613,960 alleles (0.000062%); highest among the groups gnomAD compares: East Asian, 0.0022%; no homozygotes.

Submission:

GeneDx
Classification: Uncertain significance. Last evaluated: 2019-12-13. Review status: criteria provided, single submitter. Criteria: GeneDx Variant Classification Process June 2021. Collection method: clinical testing. Allele origin: germline. Affected: yes.
Comment: Not observed in large population cohorts (Lek et al., 2016); In silico analysis, which includes protein predictors and evolutionary conservation, supports that this variant does not alter protein structure/function; Has not been previously published as pathogenic or benign to our knowledge

NM_013275.6(ANKRD11):c.2261A>G (p.Lys754Arg)

Gene: ANKRD11 (ankyrin repeat domain containing 11; minus strand). Cytogenetic location: 16q24.3.
Variant type: single nucleotide variant.
Coding change: c.2261A>G on transcript NM_013275.6 (MANE Select); coding-DNA position 2261, A replaced by G.
Protein change: p.Lys754Arg; replaces lysine 754 with arginine.
Molecular consequence: missense variant.
Genome position (GRCh38, 1-based): chr16:89,284,281, T>C on the plus strand (A>G on the coding strand, the complement: ANKRD11 is on the minus strand). VCF-style: chr16-89284281-T-C. GRCh37 (hg19) VCF-style: chr16-89350689-T-C.
Other names: c.2261A>G, p.Lys754Arg (NM_001256182.2, NM_001256183.2); short protein forms K754R.
Identifiers: ClinVar variation 1311370 (VCV001311370.2), dbSNP rs2151760763, ClinGen allele CA397162826.